The following is an entry in ClinVar:

NM_000195.5(HPS1):c.596C>T (p.Pro199Leu)

Gene: HPS1 (HPS1 biogenesis of lysosomal organelles complex 3 subunit 1; minus strand). Cytogenetic location: 10q24.2.
Variant type: single nucleotide variant.
Coding change: c.596C>T on transcript NM_000195.5 (MANE Select); coding-DNA position 596, C replaced by T.
Protein change: p.Pro199Leu; replaces proline 199 with leucine.
Molecular consequence: missense variant. On other transcripts: 5 prime UTR variant (3), intron variant (5).
Genome position (GRCh38, 1-based): chr10:98,431,203, G>A on the plus strand (C>T on the coding strand, the complement: HPS1 is on the minus strand). VCF-style: chr10-98431203-G-A. GRCh37 (hg19) VCF-style: chr10-100190960-G-A.
Other names: c.-278C>T (NM_001311345.2, NM_001322489.2); c.596C>T, p.Pro199Leu (NM_001322476.2, NM_001322477.2, NM_001322478.2 and 3 more transcripts); c.227C>T, p.Pro76Leu (NM_001322483.2, NM_001322484.2, NM_001322485.2); c.-377C>T (NM_001322487.2); c.408-533C>T (NM_001322480.2, NM_001322482.2, NM_001322481.2); c.551-533C>T (NM_001322492.2, NM_001322490.2); short protein forms P199L, P76L.
Identifiers: ClinVar variation 1999315 (VCV001999315.4), dbSNP rs2538932286, ClinGen allele CA378052626.

ClinVar aggregate classification (germline): Uncertain significance (1 of 4 stars; one submission).

Submission:

Labcorp Genetics (formerly Invitae), Labcorp
Classification: Uncertain significance. Last evaluated: 2024-11-05. Review status: criteria provided, single submitter. Criteria: Invitae Variant Classification Sherloc (09022015). Collection method: clinical testing. Allele origin: germline.
Comment: This sequence change replaces proline, which is neutral and non-polar, with leucine, which is neutral and non-polar, at codon 199 of the HPS1 protein (p.Pro199Leu). This variant is not present in population databases (gnomAD no frequency). This variant has not been reported in the literature in individuals affected with HPS1-related conditions. ClinVar contains an entry for this variant (Variation ID: 1999315). Invitae Evidence Modeling of protein sequence and biophysical properties (such as structural, functional, and spatial information, amino acid conservation, physicochemical variation, residue mobility, and thermodynamic stability) indicates that this missense variant is not expected to disrupt HPS1 protein function with a negative predictive value of 95%. In summary, the available evidence is currently insufficient to determine the role of this variant in disease. Therefore, it has been classified as a Variant of Uncertain Significance.